The following is an entry in ClinVar:

ClinVar aggregate classification (germline): Uncertain significance (1 of 4 stars; one submission).

Allele frequency attached by ClinVar (database versions not stated): ExAC 0.00002; gnomAD 0.00003; TOPMed 0.00001; 1000 Genomes Project 0.00040.
gnomAD v4.1: 9 of 1,609,188 alleles (0.00056%); highest among the groups gnomAD compares: East Asian, 0.011%; no homozygotes.

Submission:

Labcorp Genetics (formerly Invitae), Labcorp
Classification: Uncertain significance. Last evaluated: 2023-03-08. Review status: criteria provided, single submitter. Criteria: Invitae Variant Classification Sherloc (09022015). Collection method: clinical testing. Allele origin: germline.
Comment: In summary, the available evidence is currently insufficient to determine the role of this variant in disease. Therefore, it has been classified as a Variant of Uncertain Significance. An algorithm developed to predict the effect of missense changes on protein structure and function (PolyPhen-2) suggests that this variant is likely to be tolerated. This variant has not been reported in the literature in individuals affected with NUP62-related conditions. This variant is present in population databases (rs200338964, gnomAD 0.02%). This sequence change replaces threonine, which is neutral and polar, with isoleucine, which is neutral and non-polar, at codon 276 of the NUP62 protein (p.Thr276Ile).

NM_016553.5(NUP62):c.827C>T (p.Thr276Ile)

Genes: IL4I1 (interleukin 4 induced 1; minus strand), NUP62 (nucleoporin 62; minus strand). Cytogenetic location: 19q13.33.
Variant type: single nucleotide variant.
Coding change: c.827C>T on transcript NM_016553.5 (MANE Select); coding-DNA position 827, C replaced by T.
Protein change: p.Thr276Ile; replaces threonine 276 with isoleucine.
Molecular consequence: missense variant. On other transcripts: intron variant (3).
Genome position (GRCh38, 1-based): chr19:49,908,981, G>A on the plus strand (C>T on the coding strand, the complement: NUP62 is on the minus strand). VCF-style: chr19-49908981-G-A. GRCh37 (hg19) VCF-style: chr19-50412238-G-A.
Other names: c.827C>T, p.Thr276Ile (NM_001193357.2, NM_012346.5, NM_153718.4 and 1 more transcripts); c.-227-4660C>T (NM_001258017.2, NM_172374.3); c.-285-4660C>T (NM_001258018.2); short protein forms T276I.
Identifiers: ClinVar variation 2795028 (VCV002795028.3), dbSNP rs200338964, ClinGen allele CA9589033.